The following is an entry in ClinVar:

ClinVar aggregate classification (germline): Likely pathogenic (1 of 4 stars; one submission).

Conditions:
Abetalipoproteinaemia (ABL). Also called: MTP DEFICIENCY; Abetalipoproteinemia; Abetalipoproteinemia neuropathy; Apolipoprotein B deficiency; Congenital betalipoprotein deficiency syndrome. Identifiers: Orphanet 14, MedGen C0000744, MONDO:0008692, OMIM 200100, HP:0008181.

Submission:

Myriad Genetics, Inc.
Classification: Likely pathogenic for Abetalipoproteinaemia. Last evaluated: 2022-01-02. Review status: criteria provided, single submitter. Criteria: Myriad Women's Health Autosomal Recessive and X-Linked Classification Criteria (2021). Collection method: clinical testing. Allele origin: unknown.
Comment: NM_000253.2(MTTP):c.1428_1429ins11(L477Efs*5) is expected to be pathogenic in the context of abetalipoproteinemia. This variant is predicted to lead to an abnormal or absent protein product due to the creation of a premature termination codon in MTTP, a gene where loss-of-function variants are known to be pathogenic. Please note: this variant was assessed in the context of healthy population screening.

NM_001386140.1(MTTP):c.1428_1429insGAAAAATCATA (p.Leu477fs)

Gene: MTTP (microsomal triglyceride transfer protein; plus strand). Cytogenetic location: 4q23.
Variant type: Insertion.
Coding change: c.1428_1429insGAAAAATCATA on transcript NM_001386140.1 (MANE Select); coding-DNA positions 1428 to 1429, GAAAAATCATA inserted.
Protein change: p.Leu477fs; shifts the reading frame from leucine 477.
Molecular consequence: frameshift variant.
Genome position: GRCh38 VCF-style: chr4-99606831-T-TGAAAAATCATA. GRCh37 (hg19) VCF-style: chr4-100527988-T-TGAAAAATCATA.
Other names: c.1428_1429insGAAAAATCATA, p.Leu477fs (NM_000253.4); c.1179_1180insGAAAAATCATA, p.Leu394fs (NM_001300785.2); short protein forms L394fs, L477fs.
Identifiers: ClinVar variation 1726902 (VCV001726902.2), dbSNP rs2476134780, ClinGen allele CA2580071885.
Genomic context (GRCh38, chr4:99,606,831, plus strand): 5'-AATCCTGGGAGGACTTGAAAAAGCAGAGAAAAAAGAGGACACCAGGATGTATCTGCTGGC[T>TGAAAAATCATA]TTGAAGAATGCCCTGCTTCCAGAAGGCATCCCAAGTCTTCTGAAGTATGCAGAAGCAGGA-3'